The following is an entry in ClinVar:

NM_152419.3(HGSNAT):c.523dup (p.Ala175fs)

Gene: HGSNAT (heparan-alpha-glucosaminide N-acetyltransferase; plus strand). Cytogenetic location: 8p11.21.
Variant type: Duplication.
Coding change: c.523dup on transcript NM_152419.3 (MANE Select); coding-DNA position 523, one base duplicated (G; older notation c.523dupG).
Protein change: p.Ala175fs; shifts the reading frame from alanine 175.
Molecular consequence: frameshift variant. On other transcripts: 5 prime UTR variant (1).
Genome position (GRCh38, 1-based): chr8:43,161,467, G duplicated. VCF-style (leftmost placement, unchanged base first): chr8-43161466-T-TG. GRCh37 (hg19) VCF-style: chr8-43016609-T-TG.
Other names: c.523dup, p.Ala175fs (NM_001363227.2, NM_001363228.2); c.-311dup (NM_001363229.2); short protein forms A175fs.
Identifiers: ClinVar variation 2922647 (VCV002922647.3), dbSNP rs2486919204, ClinGen allele CA2740095029.

ClinVar aggregate classification (germline): Pathogenic (1 of 4 stars; one submission).

Conditions:
Retinitis pigmentosa 73 (RP73). Identifiers: Orphanet 791, MedGen C4225287, MONDO:0014687, OMIM 616544.
Mucopolysaccharidosis, MPS-III-C (MPS3C). Also called: SANFILIPPO SYNDROME C; MPS III C; Mucopolysaccharidosis type IIIC (Sanfilippo C); MUCOPOLYSACCHARIDOSIS, TYPE IIIC; mucopolysaccharidosis type 3C; MPS IIIC (Sanfilippo Syndrome Type C). Identifiers: Orphanet 581, Orphanet 79271, MedGen C0086649, MONDO:0009657, OMIM 252930.

Submission:

Labcorp Genetics (formerly Invitae), Labcorp
Classification: Pathogenic for Retinitis pigmentosa 73; Mucopolysaccharidosis, MPS-III-C. Last evaluated: 2024-01-27. Review status: criteria provided, single submitter. Criteria: Invitae Variant Classification Sherloc (09022015). Collection method: clinical testing. Allele origin: germline.
Comment: This sequence change creates a premature translational stop signal (p.Ala175Glyfs*17) in the HGSNAT gene. It is expected to result in an absent or disrupted protein product. Loss-of-function variants in HGSNAT are known to be pathogenic (PMID: 17033958, 19479962). This variant is not present in population databases (gnomAD no frequency). This variant has not been reported in the literature in individuals affected with HGSNAT-related conditions. For these reasons, this variant has been classified as Pathogenic.

Literature cited by the submitters: PubMed 17033958; PubMed 19479962.